The following is an entry in ClinVar:

NM_000929.3(PLA2G5):c.145G>A (p.Gly49Ser)

Gene: PLA2G5 (phospholipase A2 group V; plus strand). Cytogenetic location: 1p36.13.
Variant type: single nucleotide variant.
Coding change: c.145G>A on transcript NM_000929.3 (MANE Select); coding-DNA position 145, G replaced by A.
Protein change: p.Gly49Ser; replaces glycine 49 with serine.
Molecular consequence: missense variant.
Genome position (GRCh38, 1-based): chr1:20,086,187, G>A. VCF-style: chr1-20086187-G-A. GRCh37 (hg19) VCF-style: chr1-20412680-G-A.
Other names: short protein forms G49S.
Identifiers: ClinVar variation 30162 (VCV000030162.10), dbSNP rs387906796, ClinGen allele CA128994.
Genomic context (GRCh38, chr1:20,086,187, plus strand): 5'-ATCGAGAAGGTGACAGGGAAGAACGCCCTGACAAACTACGGCTTCTACGGCTGTTACTGC[G>A]GCTGGGGCGGCCGAGGAACCCCCAAGGATGGCACCGATTGGTGAGCTGATCGCTATAACT-3'
Protein context (NP_000920.1, residues 39-59): TNYGFYGCYC[Gly49Ser]WGGRGTPKDG

ClinVar aggregate classification (germline): Uncertain significance. Review status: criteria provided, multiple submitters, no conflicts (2 of 4 stars). 3 submissions from 3 submitters: Uncertain significance (2). 1 of the submissions does not count toward it. Last evaluated 2025-07-09.

Conditions:
Familial benign flecked retina. Identifiers: Orphanet 363989, MedGen C1856718, MONDO:0009235, OMIM 228980.

Allele frequency attached by ClinVar (database versions not stated): ExAC 0.00001; gnomAD 0.00001 and 0.00002; gnomAD exomes 0.00001; TOPMed 0.00002.
gnomAD v4.1: 19 of 1,614,082 alleles (0.0012%); highest among the groups gnomAD compares: Middle Eastern, 0.016%; no homozygotes.

Submissions (3):

Labcorp Genetics (formerly Invitae), Labcorp
Classification: Uncertain significance. Last evaluated: 2025-07-09. Review status: criteria provided, single submitter. Criteria: Invitae Variant Classification Sherloc (09022015). Collection method: clinical testing. Allele origin: germline.
Comment: This sequence change replaces glycine, which is neutral and non-polar, with serine, which is neutral and polar, at codon 49 of the PLA2G5 protein (p.Gly49Ser). This variant is present in population databases (rs387906796, gnomAD 0.003%). This missense change has been observed in individual(s) with benign fleck retina (PMID: 22137173). ClinVar contains an entry for this variant (Variation ID: 30162). An algorithm developed to predict the effect of missense changes on protein structure and function (PolyPhen-2) suggests that this variant is likely to be disruptive. In summary, the available evidence is currently insufficient to determine the role of this variant in disease. Therefore, it has been classified as a Variant of Uncertain Significance.

Blueprint Genetics
Classification: Uncertain significance. Last evaluated: 2023-11-23. Review status: criteria provided, single submitter. Criteria: ACMG Guidelines, 2015. Collection method: clinical testing. Allele origin: germline.

OMIM
Classification: Affects for FLECK RETINA, FAMILIAL BENIGN. Last evaluated: 2011-12-09. Review status: no assertion criteria provided. Collection method: literature only. Allele origin: germline. Not counted in ClinVar's aggregate classification.

Literature cited by the submitters: PubMed 22137173 (cited by Labcorp Genetics (formerly Invitae), Labcorp and OMIM); Isaacs, T. W., McAllister, I. L., Wade, M. S. Benign fleck retina. (Letter) Brit. J. Ophthal. 80: 267-269, 1996. (cited by OMIM).